The following is an entry in ClinVar:

ClinVar aggregate classification (germline): Uncertain significance (1 of 4 stars; one submission).

Submission:

Labcorp Genetics (formerly Invitae), Labcorp
Classification: Uncertain significance. Last evaluated: 2020-11-05. Review status: criteria provided, single submitter. Criteria: Invitae Variant Classification Sherloc (09022015). Collection method: clinical testing. Allele origin: germline.
Comment: In summary, the available evidence is currently insufficient to determine the role of this variant in disease. Therefore, it has been classified as a Variant of Uncertain Significance. Algorithms developed to predict the effect of missense changes on protein structure and function output the following: SIFT: "Not Available"; PolyPhen-2: "Benign"; Align-GVGD: "Not Available". The glutamic acid amino acid residue is found in multiple mammalian species, suggesting that this missense change does not adversely affect protein function. These predictions have not been confirmed by published functional studies and their clinical significance is uncertain. This variant has not been reported in the literature in individuals with UNC119-related conditions. This variant is not present in population databases (ExAC no frequency). This sequence change replaces aspartic acid with glutamic acid at codon 153 of the UNC119 protein (p.Asp153Glu). The aspartic acid residue is highly conserved and there is a small physicochemical difference between aspartic acid and glutamic acid.

NM_005148.4(UNC119):c.459C>A (p.Asp153Glu)

Gene: UNC119 (unc-119 lipid binding chaperone; minus strand). Cytogenetic location: 17q11.2.
Variant type: single nucleotide variant.
Coding change: c.459C>A on transcript NM_005148.4 (MANE Select); coding-DNA position 459, C replaced by A.
Protein change: p.Asp153Glu; replaces aspartic acid 153 with glutamic acid.
Molecular consequence: missense variant.
Genome position (GRCh38, 1-based): chr17:28,547,828, G>T on the plus strand (C>A on the coding strand, the complement: UNC119 is on the minus strand). VCF-style: chr17-28547828-G-T. GRCh37 (hg19) VCF-style: chr17-26874846-G-T.
Other names: c.174C>A, p.Asp58Glu (NM_001330166.2); c.459C>A, p.Asp153Glu (NM_054035.2); short protein forms D58E, D153E.
Identifiers: ClinVar variation 1523195 (VCV001523195.6), dbSNP rs2151507456, ClinGen allele CA398330880.
Genomic context (GRCh38, chr17:28,547,828, plus strand): 5'-TTTGAGTAGCTGGTTGCGGAAGTAGTGCCTCTCGATCATGCGGAAGTTGTTGACAGGCTT[G>T]TCTCCCACTGTGAACTCCACCCTGAGCAAGAAAAGGAGGCAGGGCTAAGTCTGTCCTTGA-3'
Protein context (NP_005139.1, residues 143-163): VGATVEFTVG[Asp153Glu]KPVNNFRMIE